The following is an entry in ClinVar:

NM_152703.5(SAMD9L):c.835G>A (p.Glu279Lys)

Gene: SAMD9L (sterile alpha motif domain containing 9 like; minus strand). Cytogenetic location: 7q21.2.
Variant type: single nucleotide variant.
Coding change: c.835G>A on transcript NM_152703.5 (MANE Select); coding-DNA position 835, G replaced by A.
Protein change: p.Glu279Lys; replaces glutamic acid 279 with lysine.
Molecular consequence: missense variant.
Genome position (GRCh38, 1-based): chr7:93,135,137, C>T on the plus strand (G>A on the coding strand, the complement: SAMD9L is on the minus strand). VCF-style: chr7-93135137-C-T. GRCh37 (hg19) VCF-style: chr7-92764450-C-T.
Other names: c.835G>A, p.Glu279Lys (NM_001303496.3, NM_001303497.3, NM_001303498.3 and 5 more transcripts); short protein forms E279K.
Identifiers: ClinVar variation 3949830 (VCV003949830.1).

ClinVar aggregate classification (germline): Uncertain significance (1 of 4 stars; one submission).

Conditions:
Inborn genetic diseases. Identifiers: MedGen C0950123, MeSH D030342.

Submission:

Ambry Genetics
Classification: Uncertain significance for Inborn genetic diseases. Last evaluated: 2025-04-11. Review status: criteria provided, single submitter. Criteria: Ambry Variant Classification Scheme 2023. Collection method: clinical testing. Allele origin: germline.
Comment: The p.E279K variant (also known as c.835G>A), located in coding exon 1 of the SAMD9L gene, results from a G to A substitution at nucleotide position 835. The glutamic acid at codon 279 is replaced by lysine, an amino acid with similar properties. This amino acid position is conserved. In addition, this alteration is predicted to be tolerated by in silico analysis. Based on the available evidence, the clinical significance of this variant remains unclear.